The following is an entry in ClinVar:

NM_001099274.3(TINF2):c.507+6G>T

Gene: TINF2 (TERF1 interacting nuclear factor 2; minus strand). Cytogenetic location: 14q12.
Variant type: single nucleotide variant.
Coding change: c.507+6G>T on transcript NM_001099274.3 (MANE Select); 6 bases into the intron after coding-DNA position 507, G replaced by T.
Molecular consequence: intron variant.
Genome position (GRCh38, 1-based): chr14:24,241,198, C>A on the plus strand (G>T on the coding strand, the complement: TINF2 is on the minus strand). VCF-style: chr14-24241198-C-A. GRCh37 (hg19) VCF-style: chr14-24710404-C-A.
Other names: c.507+6G>T (NM_012461.3); c.402+6G>T (NM_001363668.2).
Identifiers: ClinVar variation 1500252 (VCV001500252.6), dbSNP rs142144996, ClinGen allele CA2573149802.

ClinVar aggregate classification (germline): Uncertain significance (1 of 4 stars; one submission).

Conditions:
Dyskeratosis congenita. Identifiers: Orphanet 1775, MedGen C0265965, MONDO:0015780.

Submission:

Labcorp Genetics (formerly Invitae), Labcorp
Classification: Uncertain significance for Dyskeratosis congenita. Last evaluated: 2022-06-13. Review status: criteria provided, single submitter. Criteria: Invitae Variant Classification Sherloc (09022015). Collection method: clinical testing. Allele origin: germline.
Comment: This variant has not been reported in the literature in individuals affected with TINF2-related conditions. This variant is not present in population databases (gnomAD no frequency). This sequence change falls in intron 4 of the TINF2 gene. It does not directly change the encoded amino acid sequence of the TINF2 protein. It affects a nucleotide within the consensus splice site. Variants that disrupt the consensus splice site are a relatively common cause of aberrant splicing (PMID: 17576681, 9536098). Algorithms developed to predict the effect of sequence changes on RNA splicing suggest that this variant may disrupt the consensus splice site. In summary, the available evidence is currently insufficient to determine the role of this variant in disease. Therefore, it has been classified as a Variant of Uncertain Significance.

Literature cited by the submitters: PubMed 17576681; PubMed 9536098.